The following is an entry in ClinVar:

ClinVar aggregate classification (germline): Uncertain significance. Review status: criteria provided, multiple submitters, no conflicts (2 of 4 stars). 2 submissions from 2 submitters: Uncertain significance (2). Last evaluated 2025-08-13.

Conditions:
Hereditary cancer-predisposing syndrome. Also called: Hereditary neoplastic syndrome; Neoplastic Syndromes, Hereditary; Tumor predisposition; Hereditary Cancer Syndrome. Identifiers: Orphanet 140162, MedGen C0027672, MeSH D009386, MONDO:0015356.
Familial cancer of breast. Also called: Hereditary breast cancer; BREAST CANCER, FAMILIAL; hereditary breast carcinoma. Identifiers: Orphanet 227535, MedGen C0346153, MONDO:0016419, OMIM 114480. Disease mechanism: loss of function.

Submissions (2):

Labcorp Genetics (formerly Invitae), Labcorp
Classification: Uncertain significance for Familial cancer of breast. Last evaluated: 2025-08-13. Review status: criteria provided, single submitter. Criteria: Invitae Variant Classification Sherloc (09022015). Collection method: clinical testing. Allele origin: germline.
Comment: This sequence change replaces alanine, which is neutral and non-polar, with serine, which is neutral and polar, at codon 513 of the CHEK2 protein (p.Ala513Ser). This variant is not present in population databases (gnomAD no frequency). This variant has not been reported in the literature in individuals affected with CHEK2-related conditions. ClinVar contains an entry for this variant (Variation ID: 2786349). An algorithm developed to predict the effect of missense changes on protein structure and function (PolyPhen-2) suggests that this variant is likely to be tolerated. In summary, the available evidence is currently insufficient to determine the role of this variant in disease. Therefore, it has been classified as a Variant of Uncertain Significance.

Ambry Genetics
Classification: Uncertain significance for Hereditary cancer-predisposing syndrome. Last evaluated: 2025-01-06. Review status: criteria provided, single submitter. Criteria: Ambry Variant Classification Scheme 2023. Collection method: clinical testing. Allele origin: germline.
Comment: The p.A513S variant (also known as c.1537G>T), located in coding exon 13 of the CHEK2 gene, results from a G to T substitution at nucleotide position 1537. The alanine at codon 513 is replaced by serine, an amino acid with similar properties. This amino acid position is conserved. In addition, this alteration is predicted to be tolerated by in silico analysis. Based on the available evidence, the clinical significance of this variant remains unclear.

NM_007194.4(CHEK2):c.1537G>T (p.Ala513Ser)

Gene: CHEK2 (checkpoint kinase 2; minus strand). Cytogenetic location: 22q12.1.
Variant type: single nucleotide variant.
Coding change: c.1537G>T on transcript NM_007194.4 (MANE Select); coding-DNA position 1537, G replaced by T.
Protein change: p.Ala513Ser; replaces alanine 513 with serine.
Molecular consequence: missense variant.
Genome position (GRCh38, 1-based): chr22:28,689,140, C>A on the plus strand (G>T on the coding strand, the complement: CHEK2 is on the minus strand). VCF-style: chr22-28689140-C-A. GRCh37 (hg19) VCF-style: chr22-29085128-C-A.
Other names: c.1666G>T, p.Ala556Ser (NM_001005735.3); c.874G>T, p.Ala292Ser (NM_001257387.3); c.1336G>T, p.Ala446Ser (NM_001349956.3); c.1450G>T, p.Ala484Ser (NM_145862.3); short protein forms A446S, A556S, A292S, A484S, A513S.
Identifiers: ClinVar variation 2786349 (VCV002786349.4), dbSNP rs2052240121, ClinGen allele CA411092309.